The following is an entry in ClinVar:

ClinVar aggregate classification (germline): Uncertain significance. Review status: criteria provided, multiple submitters, no conflicts (2 of 4 stars). 7 submissions from 7 submitters: Uncertain significance (5). 2 of the submissions do not count toward it. Last evaluated 2026-06-19.

Conditions:
USH1C-related disorder. Also called: USH1C-related condition.
Autosomal recessive nonsyndromic hearing loss 18A. Also called: Deafness, autosomal recessive 18A; DEAFNESS, AUTOSOMAL RECESSIVE 18. Identifiers: Orphanet 90636, MedGen C1865870, MONDO:0011192, OMIM 602092.
Usher syndrome type 1C. Also called: USHER SYNDROME, TYPE I, ACADIAN VARIETY. Identifiers: Orphanet 231169, Orphanet 886, MedGen C1848604, MONDO:0010171, OMIM 276904.
Usher syndrome type 1 (USH1). Also called: RETINITIS PIGMENTOSA AND CONGENITAL DEAFNESS. Identifiers: Orphanet 231169, Orphanet 886, MedGen C1568247, MONDO:0010168, OMIM 276900.

Allele frequency attached by ClinVar (database versions not stated): ExAC 0.00001; gnomAD exomes 0.00002; TOPMed 0.00002; gnomAD 0.00004; ESP Exome Variant Server 0.00015.
gnomAD v4.1: 56 of 1,614,078 alleles (0.0035%); highest among the groups gnomAD compares: East Asian, 0.02%; no homozygotes.

Submissions (7):

PreventionGenetics, part of Exact Sciences
Classification: Uncertain significance for USH1C-related condition. Last evaluated: 2026-06-19. Review status: criteria provided, single submitter. Criteria: ACMG Guidelines, 2015. Collection method: clinical testing. Allele origin: germline.
Comment: The USH1C c.188G>A variant is predicted to result in the amino acid substitution p.Arg63Gln. This variant has been reported in an individual with hearing loss, however information about presence or absence of a second variant was not provided (Table S2, Miyagawa et al. 2013. PubMed ID: 23967202). This variant is reported in 0.0033% of alleles in individuals of South Asian descent in gnomAD. At this time, the clinical significance of this variant is uncertain due to the absence of conclusive functional and genetic evidence.

Labcorp Genetics (formerly Invitae), Labcorp
Classification: Uncertain significance. Last evaluated: 2025-03-17. Review status: criteria provided, single submitter. Criteria: Invitae Variant Classification Sherloc (09022015). Collection method: clinical testing. Allele origin: germline.
Comment: This sequence change replaces arginine, which is basic and polar, with glutamine, which is neutral and polar, at codon 63 of the USH1C protein (p.Arg63Gln). This variant is present in population databases (rs372497947, gnomAD 0.004%). This missense change has been observed in individual(s) with hearing loss (PMID: 23967202, 30245029). ClinVar contains an entry for this variant (Variation ID: 196417). An algorithm developed to predict the effect of missense changes on protein structure and function (PolyPhen-2) suggests that this variant is likely to be disruptive. In summary, the available evidence is currently insufficient to determine the role of this variant in disease. Therefore, it has been classified as a Variant of Uncertain Significance.

Blueprint Genetics
Classification: Uncertain significance. Last evaluated: 2022-05-25. Review status: criteria provided, single submitter. Criteria: ACMG Guidelines, 2015. Collection method: clinical testing. Allele origin: germline.

Fulgent Genetics
Classification: Uncertain significance for Usher syndrome type 1; Usher syndrome type 1C; Autosomal recessive nonsyndromic hearing loss 18A. Last evaluated: 2021-08-12. Review status: criteria provided, single submitter. Criteria: ACMG Guidelines, 2015. Collection method: clinical testing. Allele origin: unknown.

Eurofins Ntd Llc (ga)
Classification: Uncertain significance. Last evaluated: 2015-01-05. Review status: criteria provided, single submitter. Criteria: EGL Classification Definitions 2015. Collection method: clinical testing. Allele origin: germline. Observed: 1 variant allele, 1 heterozygote.

Natera, Inc.
Classification: Uncertain significance for Usher syndrome type 1C. Last evaluated: 2020-06-16. Review status: no assertion criteria provided. Collection method: clinical testing. Allele origin: germline. Not counted in ClinVar's aggregate classification.

Counsyl
Classification: Uncertain significance for Usher syndrome type 1C; Autosomal recessive nonsyndromic hearing loss 18A. Last evaluated: 2017-05-01. Review status: no assertion criteria provided. Collection method: clinical testing. Allele origin: unknown. Not counted in ClinVar's aggregate classification.

Literature cited by the submitters: PubMed 23967202 (cited by Labcorp Genetics (formerly Invitae), Labcorp and Counsyl); PubMed 30245029 (cited by Labcorp Genetics (formerly Invitae), Labcorp).

NM_153676.4(USH1C):c.188G>A (p.Arg63Gln)

Gene: USH1C (USH1 protein network component harmonin; minus strand). Cytogenetic location: 11p15.1.
Variant type: single nucleotide variant.
Coding change: c.188G>A on transcript NM_153676.4 (MANE Select); coding-DNA position 188, G replaced by A.
Protein change: p.Arg63Gln; replaces arginine 63 with glutamine.
Molecular consequence: missense variant. On other transcripts: non-coding transcript variant (1).
Genome position (GRCh38, 1-based): chr11:17,531,459, C>T on the plus strand (G>A on the coding strand, the complement: USH1C is on the minus strand). VCF-style: chr11-17531459-C-T. GRCh37 (hg19) VCF-style: chr11-17553006-C-T.
Other names: c.188G>A, p.Arg63Gln (NM_001297764.2, NM_005709.4); short protein forms R63Q.
Identifiers: ClinVar variation 196417 (VCV000196417.13), dbSNP rs372497947, ClinGen allele CA243367.